The following is an entry in ClinVar:

ClinVar aggregate classification (germline): Uncertain significance. Review status: criteria provided, multiple submitters, no conflicts (2 of 4 stars). 2 submissions from 2 submitters: Uncertain significance (2). Last evaluated 2024-03-16.

Conditions:
GLUT1 deficiency syndrome 1, autosomal recessive. Identifiers: MedGen C3149117.
Dystonia 9 (DYT9). Also called: CHOREOATHETOSIS, KINESIGENIC, WITH EPISODIC ATAXIA AND SPASTICITY. Identifiers: Orphanet 53583, MedGen C1832855, MONDO:0010983, OMIM 601042.

Submissions (2):

Labcorp Genetics (formerly Invitae), Labcorp
Classification: Uncertain significance for GLUT1 deficiency syndrome 1, autosomal recessive. Last evaluated: 2024-03-16. Review status: criteria provided, single submitter. Criteria: Invitae Variant Classification Sherloc (09022015). Collection method: clinical testing. Allele origin: germline.
Comment: This sequence change replaces isoleucine, which is neutral and non-polar, with asparagine, which is neutral and polar, at codon 446 of the SLC2A1 protein (p.Ile446Asn). This variant is not present in population databases (gnomAD no frequency). This variant has not been reported in the literature in individuals affected with SLC2A1-related conditions. ClinVar contains an entry for this variant (Variation ID: 2585614). Advanced modeling of protein sequence and biophysical properties (such as structural, functional, and spatial information, amino acid conservation, physicochemical variation, residue mobility, and thermodynamic stability) performed at Invitae indicates that this missense variant is expected to disrupt SLC2A1 protein function with a positive predictive value of 95%. In summary, the available evidence is currently insufficient to determine the role of this variant in disease. Therefore, it has been classified as a Variant of Uncertain Significance.

Neuberg Centre For Genomic Medicine, NCGM
Classification: Uncertain significance for Dystonia 9. Review status: criteria provided, single submitter. Criteria: ACMG Guidelines, 2015. Collection method: clinical testing. Allele origin: germline. Inheritance: Autosomal dominant inheritance. Affected: yes.
Comment: The missense variant c.1337T>A (p.Ile446Asn) in SLC2A1 gene has not been reported previously as a pathogenic variant nor as a benign variant, to our knowledge. This variant has not been reported to the ClinVar database. The p.Ile446Asn variant is novel (not in any individuals) in gnomAD Exomes and 1000 Genomes. The amino acid Ile at position 446 is changed to a Asn changing protein sequence and it might alter its composition and physico-chemical properties. The amino acid change p.Ile446Asn in SLC2A1 is predicted as conserved by GERP++ and PhyloP across 100 vertebrates. For these reasons, this variant has been classified as Uncertain Significance (VUS).

NM_006516.4(SLC2A1):c.1337T>A (p.Ile446Asn)

Gene: SLC2A1 (solute carrier family 2 member 1; minus strand). Cytogenetic location: 1p34.2.
Variant type: single nucleotide variant.
Coding change: c.1337T>A on transcript NM_006516.4 (MANE Select); coding-DNA position 1337, T replaced by A.
Protein change: p.Ile446Asn; replaces isoleucine 446 with asparagine.
Molecular consequence: missense variant.
Genome position (GRCh38, 1-based): chr1:42,927,183, A>T on the plus strand (T>A on the coding strand, the complement: SLC2A1 is on the minus strand). VCF-style: chr1-42927183-A-T. GRCh37 (hg19) VCF-style: chr1-43392854-A-T.
Other names: short protein forms I446N.
Identifiers: ClinVar variation 2585614 (VCV002585614.3), dbSNP rs1643436099, ClinGen allele CA339953313.